The following is an entry in ClinVar:

NM_133448.3(TMEM132D):c.1353G>A (p.Pro451=)

Genes: TMEM132D (transmembrane protein 132D; minus strand), TMEM132D-AS2 (TMEM132D antisense RNA 2; plus strand). Cytogenetic location: 12q24.33.
Variant type: single nucleotide variant.
Coding change: c.1353G>A on transcript NM_133448.3 (MANE Select); coding-DNA position 1353, G replaced by A.
Protein change: p.Pro451=; no amino-acid change (proline 451 retained).
Molecular consequence: synonymous variant. On other transcripts: non-coding transcript variant (1).
Genome position (GRCh38, 1-based): chr12:129,209,610, C>T on the plus strand (G>A on the coding strand, the complement: TMEM132D is on the minus strand). VCF-style: chr12-129209610-C-T. GRCh37 (hg19) VCF-style: chr12-129694155-C-T.
Identifiers: ClinVar variation 3040955 (VCV003040955.2), dbSNP rs150876325, ClinGen allele CA6876101.

ClinVar aggregate classification (germline): Likely benign (0 of 4 stars; one submission).

Conditions:
TMEM132D-related disorder. Also called: TMEM132D-related condition.

Allele frequency attached by ClinVar (database versions not stated): ESP Exome Variant Server 0.00123; 1000 Genomes Project 30x 0.00234; 1000 Genomes Project 0.00240.
gnomAD v4.1: 489 of 1,614,188 alleles (0.03%); highest among the groups gnomAD compares: African/African-American, 0.49%; 4 homozygotes.

Submission:

PreventionGenetics, part of Exact Sciences
Classification: Likely benign for TMEM132D-related condition. Last evaluated: 2019-09-18. Review status: no assertion criteria provided. Collection method: clinical testing. Allele origin: germline.
Comment: This variant is classified as likely benign based on ACMG/AMP sequence variant interpretation guidelines (Richards et al. 2015 PMID: 25741868, with internal and published modifications).